The following is an entry in ClinVar:

ClinVar aggregate classification (germline): Likely pathogenic (1 of 4 stars; one submission).

Conditions:
PKD1-related disorder. Also called: PKD1-related condition.

Submission:

PreventionGenetics, part of Exact Sciences
Classification: Likely pathogenic for PKD1-related condition. Last evaluated: 2025-01-08. Review status: criteria provided, single submitter. Criteria: ACMG Guidelines, 2015. Collection method: clinical testing. Allele origin: germline.
Comment: The PKD1 c.4292_4295dupTGAC variant is predicted to result in a frameshift and premature protein termination (p.Phe1433Aspfs*25). To our knowledge, this variant has not been reported in the literature or in a large population database (gnomAD), indicating this variant is rare. Frameshift variants in PKD1 are expected to be pathogenic. This variant is interpreted as likely pathogenic.

NM_001009944.3(PKD1):c.4292_4295dup (p.Phe1433fs)

Gene: PKD1 (polycystin 1, transient receptor potential channel interacting; minus strand). Cytogenetic location: 16p13.3.
Variant type: Duplication.
Coding change: c.4292_4295dup on transcript NM_001009944.3 (MANE Select); coding-DNA positions 4292 to 4295, 4 bases duplicated (TGAC; older notation c.4292_4295dupTGAC).
Protein change: p.Phe1433fs; shifts the reading frame from phenylalanine 1433.
Molecular consequence: frameshift variant.
Genome position (GRCh38, 1-based): chr16:2,110,872-2,110,875, GTCA duplicated on the plus strand (TGAC on the coding strand, the reverse complement: PKD1 is on the minus strand). VCF-style (leftmost placement, unchanged base first): chr16-2110871-C-CGTCA. GRCh37 (hg19) VCF-style: chr16-2160872-C-CGTCA.
Other names: c.4292_4295dup, p.Phe1433fs (NM_000296.4); c.4292_4295dupTGAC (NM_001009944.2); short protein forms F1433fs.
Identifiers: ClinVar variation 4999718 (VCV004999718.1).